The following is an entry in ClinVar:

ClinVar aggregate classification (germline): Likely benign. Review status: criteria provided, multiple submitters, no conflicts (2 of 4 stars). 8 submissions from 8 submitters: Likely benign (8). Last evaluated 2026-05-01.

Conditions:
Aortic aneurysm, familial thoracic 6 (AAT6). Also called: FAMILIAL THORACIC AORTIC ANEURYSM WITH LIVEDO RETICULARIS AND IRIS FLOCCULI. Identifiers: MedGen C2673186, MONDO:0012730, OMIM 611788.
Familial thoracic aortic aneurysm and aortic dissection (TAAD). Also called: Thoracic aortic aneurysms and dissections. Identifiers: Orphanet 91387, MedGen C4707243, MONDO:0019625.
Multisystemic smooth muscle dysfunction syndrome (SMDYS). Also called: MYDRIASIS, CONGENITAL, WITH PATENT DUCTUS ARTERIOSUS, THORACIC AORTIC ANEURYSM, AND VASCULOPATHY; SMOOTH MUSCLE DYSFUNCTION SYNDROME. Identifiers: Orphanet 404463, MedGen C3151201, MONDO:0013452, OMIM 613834.

Allele frequency attached by ClinVar (database versions not stated): TOPMed 0.00010; gnomAD 0.00015; 1000 Genomes Project 0.00020; ESP Exome Variant Server 0.00023; 1000 Genomes Project 30x 0.00031.
gnomAD v4.1: 60 of 1,613,748 alleles (0.0037%); highest among the groups gnomAD compares: African/African-American, 0.032%; no homozygotes.

Submissions (8):

CeGaT Center for Human Genetics Tuebingen
Classification: Likely benign. Last evaluated: 2026-05-01. Review status: criteria provided, single submitter. Criteria: CeGaT Center For Human Genetics Tuebingen Variant Classification Criteria Version 2. Collection method: clinical testing. Allele origin: germline. Affected: yes. Observed: 1 variant allele.
Comment: ACTA2: BP4, BP7

Labcorp Genetics (formerly Invitae), Labcorp
Classification: Likely benign for Aortic aneurysm, familial thoracic 6. Last evaluated: 2025-12-13. Review status: criteria provided, single submitter. Criteria: Invitae Variant Classification Sherloc (09022015). Collection method: clinical testing. Allele origin: germline.

Molecular Diagnostic Laboratory for Inherited Cardiovascular Disease, Montreal Heart Institute
Classification: Likely benign. Last evaluated: 2025-04-09. Review status: criteria provided, single submitter. Criteria: ACMG Guidelines, 2015. Collection method: clinical testing. Allele origin: germline. Affected: no.

All of Us Research Program, National Institutes of Health
Classification: Likely benign for Familial thoracic aortic aneurysm and aortic dissection. Last evaluated: 2023-12-01. Review status: criteria provided, single submitter. Criteria: ACMG Guidelines, 2015. Collection method: clinical testing. Allele origin: germline. Inheritance: Autosomal dominant inheritance. Observed: 12 variant alleles, 12 heterozygotes.
Comment: This study involves interpretation of variants in research participants for the purpose of population health screening. Participant phenotype was not available at the time of variant classification. Additional details can be found in publication PMID: 35346344, PMCID: PMC8962531

GeneDx
Classification: Likely benign. Last evaluated: 2019-10-28. Review status: criteria provided, single submitter. Criteria: GeneDx Variant Classification Process June 2021. Collection method: clinical testing. Allele origin: germline. Affected: yes.

Color Diagnostics, LLC DBA Color Health
Classification: Likely benign for Familial thoracic aortic aneurysm and aortic dissection. Last evaluated: 2019-01-16. Review status: criteria provided, single submitter. Criteria: ACMG Guidelines, 2015. Collection method: clinical testing. Allele origin: germline.

Ambry Genetics
Classification: Likely benign for Familial thoracic aortic aneurysm and aortic dissection. Last evaluated: 2018-12-10. Review status: criteria provided, single submitter. Criteria: Ambry Variant Classification Scheme 2023. Collection method: clinical testing. Allele origin: germline.

Illumina Laboratory Services, Illumina
Classification: Likely benign for Multisystemic smooth muscle dysfunction syndrome. Last evaluated: 2018-01-12. Review status: criteria provided, single submitter. Criteria: ICSL Variant Classification Criteria 13 December 2019. Collection method: clinical testing. Allele origin: germline.
Comment: This variant was observed in the ICSL laboratory as part of a predisposition screen in an ostensibly healthy population. It had not been previously curated by ICSL or reported in the Human Gene Mutation Database (HGMD: prior to June 1st, 2018), and was therefore a candidate for classification through an automated scoring system. Utilizing variant allele frequency, disease prevalence and penetrance estimates, and inheritance mode, an automated score was calculated to assess if this variant is too frequent to cause the disease. Based on the score and internal cut-off values, a variant classified as likely benign is not then subjected to further curation. The score for this variant resulted in a classification of likely benign for this disease.

NM_001613.4(ACTA2):c.174C>T (p.Asp58=)

Gene: ACTA2 (actin alpha 2, smooth muscle; minus strand). Cytogenetic location: 10q23.31.
Variant type: single nucleotide variant.
Coding change: c.174C>T on transcript NM_001613.4 (MANE Select); coding-DNA position 174, C replaced by T.
Protein change: p.Asp58=; no amino-acid change (aspartic acid 58 retained).
Molecular consequence: synonymous variant. On other transcripts: intron variant (3).
Genome position (GRCh38, 1-based): chr10:88,947,342, G>A on the plus strand (C>T on the coding strand, the complement: ACTA2 is on the minus strand). VCF-style: chr10-88947342-G-A. GRCh37 (hg19) VCF-style: chr10-90707099-G-A.
Other names: c.174C>T, p.Asp58= (NM_001141945.3, NM_001320855.2, NM_001406462.1 and 4 more transcripts); c.129+1460C>T (NM_001406467.1, NM_001406468.1, NM_001406469.1).
Identifiers: ClinVar variation 386329 (VCV000386329.27), dbSNP rs150547139, ClinGen allele CA027042.
Genomic context (GRCh38, chr10:88,947,342, plus strand): 5'-GATGATGCCATGTTCTATCGGGTACTTCAGGGTCAGGATTCCTCTTTTGCTCTGTGCTTC[G>A]TCACCCACGTAGCTGTCTTTTTGTCCCATTCCCACCATCACCCCCTAAAAAGGTTCAACA-3'
Protein context (NP_001604.1, residues 48-68): GMGQKDSYVG[Asp58=]EAQSKRGILT